The following is an entry in ClinVar:

NM_002485.5(NBN):c.1700_1760dup (p.Val587_Asn588insGlnGlyHisLysThrArgValArgAsnTer)

Gene: NBN (nibrin; minus strand). Cytogenetic location: 8q21.3.
Variant type: Duplication.
Coding change: c.1700_1760dup on transcript NM_002485.5 (MANE Select); coding-DNA positions 1700 to 1760, 61 bases duplicated.
Protein change: p.Val587_Asn588insGlnGlyHisLysThrArgValArgAsnTer.
Molecular consequence: nonsense, inframe insertion.
Genome position (GRCh38, 1-based): chr8:89,953,329-89,953,389, 61 bases duplicated. GRCh37 (hg19): chr8:90,965,558-90,965,618.
Other names: c.1454_1514dup, p.Val505_Asn506insGlnGlyHisLysThrArgValArgAsnTer (NM_001024688.3).
Identifiers: ClinVar variation 935476 (VCV000935476.7), dbSNP rs1810527499, ClinGen allele CA1139660627.

ClinVar aggregate classification (germline): Pathogenic (1 of 4 stars; one submission).

Conditions:
Microcephaly, normal intelligence and immunodeficiency (NBS). Also called: BERLIN BREAKAGE SYNDROME; Immunodeficiency, microcephaly with normal intelligence; Ataxia telangiectasia variant V1; SEEMANOVA SYNDROME II; Nijmegen breakage syndrome; Microcephaly with normal intelligence immunodeficiency and lymphoreticular malignancies. Identifiers: Orphanet 647, MedGen C0398791, MONDO:0009623, OMIM 251260.

Submission:

Labcorp Genetics (formerly Invitae), Labcorp
Classification: Pathogenic for Microcephaly, normal intelligence and immunodeficiency. Last evaluated: 2021-09-29. Review status: criteria provided, single submitter. Criteria: Invitae Variant Classification Sherloc (09022015). Collection method: clinical testing. Allele origin: germline.
Comment: This sequence change creates a premature translational stop signal (p.Asn588Glnfs*10) in the NBN gene. It is expected to result in an absent or disrupted protein product. This variant is not present in population databases (ExAC no frequency). This variant has not been reported in the literature in individuals with NBN-related conditions. Loss-of-function variants in NBN are known to be pathogenic (PMID: 9590180, 16415040). For these reasons, this variant has been classified as Pathogenic.

Literature cited by the submitters: PubMed 9590180; PubMed 16415040.